The following is an entry in ClinVar:

ClinVar aggregate classification (germline): Uncertain significance. Review status: criteria provided, multiple submitters, no conflicts (2 of 4 stars). 2 submissions from 2 submitters: Uncertain significance (2). Last evaluated 2025-11-26.

Allele frequency attached by ClinVar (database versions not stated): gnomAD exomes 0.00003 and 0.00002; ExAC 0.00004; gnomAD 0.00001; TOPMed below 0.00001.
gnomAD v4.1: 34 of 1,613,090 alleles (0.0021%); highest among the groups gnomAD compares: East Asian, 0.0067%; no homozygotes.

Submissions (2):

Ambry Genetics
Classification: Uncertain significance. Last evaluated: 2025-11-26. Review status: criteria provided, single submitter. Criteria: Ambry Variant Classification Scheme 2023. Collection method: clinical testing. Allele origin: germline.

Labcorp Genetics (formerly Invitae), Labcorp
Classification: Uncertain significance. Last evaluated: 2021-08-14. Review status: criteria provided, single submitter. Criteria: Invitae Variant Classification Sherloc (09022015). Collection method: clinical testing. Allele origin: germline.
Comment: This sequence change replaces glycine with serine at codon 727 of the ZNF341 protein (p.Gly727Ser). The glycine residue is moderately conserved and there is a small physicochemical difference between glycine and serine. This variant is present in population databases (rs777717216, ExAC 0.02%). This variant has not been reported in the literature in individuals affected with ZNF341-related conditions. Algorithms developed to predict the effect of missense changes on protein structure and function output the following: SIFT: "Tolerated"; PolyPhen-2: "Benign"; Align-GVGD: "Class C0". The serine amino acid residue is found in multiple mammalian species, which suggests that this missense change does not adversely affect protein function. Algorithms developed to predict the effect of sequence changes on RNA splicing suggest that this variant may create or strengthen a splice site. In summary, the available evidence is currently insufficient to determine the role of this variant in disease. Therefore, it has been classified as a Variant of Uncertain Significance.

NM_001282933.2(ZNF341):c.2200G>A (p.Gly734Ser)

Genes: ZNF341 (zinc finger protein 341; plus strand), ZNF341-AS1 (ZNF341 antisense RNA 1; minus strand). Cytogenetic location: 20q11.22.
Variant type: single nucleotide variant.
Coding change: c.2200G>A on transcript NM_001282933.2 (MANE Select); coding-DNA position 2200, G replaced by A.
Protein change: p.Gly734Ser; replaces glycine 734 with serine.
Molecular consequence: missense variant. On other transcripts: non-coding transcript variant (1).
Genome position (GRCh38, 1-based): chr20:33,791,152, G>A. VCF-style: chr20-33791152-G-A. GRCh37 (hg19) VCF-style: chr20-32378958-G-A.
Other names: c.1930G>A, p.Gly644Ser (NM_001282935.2); c.2179G>A, p.Gly727Ser (NM_032819.5); c.2179G>A (NM_032819.3); short protein forms G644S, G727S, G734S.
Identifiers: ClinVar variation 1508146 (VCV001508146.5), dbSNP rs777717216, ClinGen allele CA9819738.